The following is an entry in ClinVar:

ClinVar aggregate classification (germline): Likely benign (1 of 4 stars; one submission).

gnomAD v4.1: 113 of 1,613,320 alleles (0.007%); highest among the groups gnomAD compares: Admixed American, 0.01%; no homozygotes.

Submission:

CeGaT Center for Human Genetics Tuebingen
Classification: Likely benign. Last evaluated: 2025-06-01. Review status: criteria provided, single submitter. Criteria: CeGaT Center For Human Genetics Tuebingen Variant Classification Criteria Version 2. Collection method: clinical testing. Allele origin: germline. Affected: yes. Observed: 1 variant allele.
Comment: INTS1: BP4, BP7

NM_001080453.3(INTS1):c.2088G>T (p.Val696=)

Gene: INTS1 (integrator complex subunit 1; minus strand). Cytogenetic location: 7p22.3.
Variant type: single nucleotide variant.
Coding change: c.2088G>T on transcript NM_001080453.3 (MANE Select); coding-DNA position 2088, G replaced by T.
Protein change: p.Val696=; no amino-acid change (valine 696 retained).
Molecular consequence: synonymous variant.
Genome position (GRCh38, 1-based): chr7:1,493,087, C>A on the plus strand (G>T on the coding strand, the complement: INTS1 is on the minus strand). VCF-style: chr7-1493087-C-A. GRCh37 (hg19) VCF-style: chr7-1532723-C-A.
Identifiers: ClinVar variation 3905447 (VCV003905447.10).
Genomic context (GRCh38, chr7:1,493,087, plus strand): 5'-GTTTTCAGGGTGATGGTAGGTGCACAGATTCAGAACGGCGTCGATCAGCTGGGTCCTCCC[C>A]ACCTTCAGCACCTCCACATCTAAGACCAAGAGCCACACATGGGTTCTGGGGCTGCTCACA-3'
Protein context (NP_001073922.2, residues 686-706): VQADDVEVLK[Val696=]GRTQLIDAVL